The following is an entry in ClinVar:

NM_017934.7(PHIP):c.4167C>T (p.Phe1389=)

Genes: IRAK1BP1 (interleukin 1 receptor associated kinase 1 binding protein 1; plus strand), PHIP (PHIP subunit of CUL4-Ring ligase complex; minus strand). Cytogenetic location: 6q14.1.
Variant type: single nucleotide variant.
Coding change: c.4167C>T on transcript NM_017934.7 (MANE Select); coding-DNA position 4167, C replaced by T.
Protein change: p.Phe1389=; no amino-acid change (phenylalanine 1389 retained).
Molecular consequence: synonymous variant.
Genome position (GRCh38, 1-based): chr6:78,947,662, G>A on the plus strand (C>T on the coding strand, the complement: PHIP is on the minus strand). VCF-style: chr6-78947662-G-A. GRCh37 (hg19) VCF-style: chr6-79657379-G-A.
Identifiers: ClinVar variation 3348062 (VCV003348062.1).

ClinVar aggregate classification (germline): Likely benign (0 of 4 stars; one submission).

Conditions:
PHIP-related disorder. Also called: PHIP-related condition; PHIP-related disorders.

gnomAD v4.1: 4 of 1,515,812 alleles (0.00026%); highest among the groups gnomAD compares: Non-Finnish European, 0.00037%; no homozygotes.

Submission:

PreventionGenetics, part of Exact Sciences
Classification: Likely benign for PHIP-related condition. Last evaluated: 2023-10-06. Review status: no assertion criteria provided. Collection method: clinical testing. Allele origin: germline.
Comment: This variant is classified as likely benign based on ACMG/AMP sequence variant interpretation guidelines (Richards et al. 2015 PMID: 25741868, with internal and published modifications).